The following is an entry in ClinVar:

ClinVar aggregate classification (germline): Uncertain significance. Review status: criteria provided, multiple submitters, no conflicts (2 of 4 stars). 3 submissions from 3 submitters: Uncertain significance (3). Last evaluated 2026-09-11.

Conditions:
Hereditary cancer-predisposing syndrome. Also called: Tumor predisposition; Hereditary Cancer Syndrome; Hereditary neoplastic syndrome; Neoplastic Syndromes, Hereditary. Identifiers: Orphanet 140162, MedGen C0027672, MeSH D009386, MONDO:0015356.
Oligodontia-cancer predisposition syndrome. Also called: TOOTH AGENESIS-COLORECTAL CANCER SYNDROME. Identifiers: Orphanet 300576, MedGen C1837750, MONDO:0012075, OMIM 608615. Disease mechanism: loss of function.

Allele frequency attached by ClinVar (database versions not stated): gnomAD 0.00001; TOPMed 0.00001.
gnomAD v4.1: 1 of 1,613,852 alleles (0.000062%); highest among the groups gnomAD compares: African/African-American, 0.0013%; no homozygotes.

Submissions (3):

Ambry Genetics
Classification: Uncertain significance for Hereditary cancer-predisposing syndrome. Last evaluated: 2026-09-11. Review status: criteria provided, single submitter. Criteria: Ambry Variant Classification Scheme 2023. Collection method: clinical testing. Allele origin: germline.

Labcorp Genetics (formerly Invitae), Labcorp
Classification: Uncertain significance for Oligodontia-cancer predisposition syndrome. Last evaluated: 2025-06-08. Review status: criteria provided, single submitter. Criteria: Invitae Variant Classification Sherloc (09022015). Collection method: clinical testing. Allele origin: germline.
Comment: This sequence change replaces cysteine, which is neutral and slightly polar, with tyrosine, which is neutral and polar, at codon 555 of the AXIN2 protein (p.Cys555Tyr). This variant is present in population databases (no rsID available, gnomAD 0.01%). This variant has not been reported in the literature in individuals affected with AXIN2-related conditions. ClinVar contains an entry for this variant (Variation ID: 1064387). Invitae Evidence Modeling of protein sequence and biophysical properties (such as structural, functional, and spatial information, amino acid conservation, physicochemical variation, residue mobility, and thermodynamic stability) indicates that this missense variant is not expected to disrupt AXIN2 protein function with a negative predictive value of 80%. In summary, the available evidence is currently insufficient to determine the role of this variant in disease. Therefore, it has been classified as a Variant of Uncertain Significance.

Quest Diagnostics Nichols Institute San Juan Capistrano
Classification: Uncertain significance. Last evaluated: 2024-08-19. Review status: criteria provided, single submitter. Criteria: Quest Diagnostics criteria. Collection method: clinical testing. Allele origin: unknown.
Comment: The AXIN2 c.1664G>A (p.Cys555Tyr) variant has not been reported in individuals with AXIN2-related conditions in the published literature. The frequency of this variant in the general population, 0.000032 (1/31382 chromosomes (Genome Aggregation Database)), is uninformative in the assessment of its pathogenicity. Analysis of this variant using bioinformatics tools for the prediction of the effect of amino acid changes on protein structure and function yielded conflicting predictions that this variant is benign or damaging. Based on the available information, we are unable to determine the clinical significance of this variant.

NM_004655.4(AXIN2):c.1664G>A (p.Cys555Tyr)

Gene: AXIN2 (axin 2; minus strand). Cytogenetic location: 17q24.1.
Variant type: single nucleotide variant.
Coding change: c.1664G>A on transcript NM_004655.4 (MANE Select); coding-DNA position 1664, G replaced by A.
Protein change: p.Cys555Tyr; replaces cysteine 555 with tyrosine.
Molecular consequence: missense variant.
Genome position (GRCh38, 1-based): chr17:65,537,372, C>T on the plus strand (G>A on the coding strand, the complement: AXIN2 is on the minus strand). VCF-style: chr17-65537372-C-T. GRCh37 (hg19) VCF-style: chr17-63533490-C-T.
Other names: c.1664G>A, p.Cys555Tyr (NM_001363813.1); short protein forms C555Y.
Identifiers: ClinVar variation 1064387 (VCV001064387.14), dbSNP rs1224506094, ClinGen allele CA400676934.
Genomic context (GRCh38, chr17:65,537,372, plus strand): 5'-CCCGGCACTTACCCAAACTGCTCGCTGGGCATGGTTTCCGGAGCCTTGGAGTGGCTTTTG[C>T]ATTTCGAGTAGCAGTAATACTCGCTGCCCCCAGGGCAGAAGCAGTGCACCCGCTGCGTGG-3'
Protein context (NP_004646.3, residues 545-565): GGSEYYCYSK[Cys555Tyr]KSHSKAPETM